The following is an entry in ClinVar:

NM_025152.3(NUBPL):c.423-1G>A

Gene: NUBPL (NUBP iron-sulfur cluster assembly factor, mitochondrial; plus strand). Cytogenetic location: 14q12.
Variant type: single nucleotide variant.
Coding change: c.423-1G>A on transcript NM_025152.3 (MANE Select); the canonical splice acceptor site of the intron before coding-DNA position 423, G replaced by A.
Molecular consequence: splice acceptor variant.
Genome position (GRCh38, 1-based): chr14:31,673,483, G>A. VCF-style: chr14-31673483-G-A. GRCh37 (hg19) VCF-style: chr14-32142689-G-A.
Other names: c.135-1G>A (NM_001201573.2).
Identifiers: ClinVar variation 2627223 (VCV002627223.1), dbSNP rs863224123, ClinGen allele CA322320.

ClinVar aggregate classification (germline): Likely pathogenic (1 of 4 stars; one submission).

Conditions:
Mitochondrial complex I deficiency, nuclear type 21. Also called: Mitochondrial complex 1 deficiency, nuclear type 21. Identifiers: MedGen C4748792, MONDO:0032625, OMIM 618242.

Submission:

Women's Health and Genetics/Laboratory Corporation of America, LabCorp
Classification: Likely pathogenic for Mitochondrial complex I deficiency, nuclear type 21. Last evaluated: 2023-09-13. Review status: criteria provided, single submitter. Criteria: LabCorp Variant Classification Summary - May 2015. Collection method: clinical testing. Allele origin: germline.
Comment: Variant summary: NUBPL c.423-1G>A is located in a canonical splice-site and is predicted to affect mRNA splicing resulting in a significantly altered protein due to either exon skipping, shortening, or inclusion of intronic material. Several computational tools predict a significant impact on normal splicing: three predict the variant abolishes a 3' acceptor site. However, these predictions have yet to be confirmed by functional studies. The variant was absent in 249452 control chromosomes (gnomAD). To our knowledge, no occurrence of c.423-1G>A in individuals affected with Mitochondrial Complex 1 Deficiency, Nuclear Type 21 and no experimental evidence demonstrating its impact on protein function have been reported. No submitters have cited clinical-significance assessments for this variant to ClinVar after 2014. Based on the evidence outlined above, the variant was classified as likely pathogenic.